The following is an entry in ClinVar:

NM_001303052.2(MYT1L):c.1593G>A (p.Pro531=)

Gene: MYT1L (myelin transcription factor 1 like; minus strand). Cytogenetic location: 2p25.3.
Variant type: single nucleotide variant.
Coding change: c.1593G>A on transcript NM_001303052.2 (MANE Select); coding-DNA position 1593, G replaced by A.
Protein change: p.Pro531=; no amino-acid change (proline 531 retained).
Molecular consequence: synonymous variant.
Genome position (GRCh38, 1-based): chr2:1,917,230, C>T on the plus strand (G>A on the coding strand, the complement: MYT1L is on the minus strand). VCF-style: chr2-1917230-C-T. GRCh37 (hg19) VCF-style: chr2-1921002-C-T.
Other names: c.1587G>A, p.Pro529= (NM_001329847.2, NM_001329848.1, NM_001329849.3 and 3 more transcripts); c.1593G>A, p.Pro531= (NM_001329851.3, NM_001329844.2, NM_001329845.1).
Identifiers: ClinVar variation 4951948 (VCV004951948.2).

ClinVar aggregate classification (germline): Likely benign. Review status: criteria provided, multiple submitters, no conflicts (2 of 4 stars). 2 submissions from 2 submitters: Likely benign (2). Last evaluated 2026-07-01.

gnomAD v4.1: 45 of 1,613,064 alleles (0.0028%); highest among the groups gnomAD compares: Non-Finnish European, 0.0026%; no homozygotes.

Submissions (2):

CeGaT Center for Human Genetics Tuebingen
Classification: Likely benign. Last evaluated: 2026-07-01. Review status: criteria provided, single submitter. Criteria: CeGaT Center For Human Genetics Tuebingen Variant Classification Criteria Version 2. Collection method: clinical testing. Allele origin: germline. Affected: yes. Observed: 1 variant allele.
Comment: MYT1L: BP4, BP7

Blueprint Genetics
Classification: Likely benign. Last evaluated: 2024-05-10. Review status: criteria provided, single submitter. Criteria: ACMG Guidelines, 2015. Collection method: clinical testing. Allele origin: germline.